The following is an entry in ClinVar:

NM_015512.5(DNAH1):c.5531A>G (p.Lys1844Arg)

Gene: DNAH1 (dynein axonemal heavy chain 1; plus strand). Cytogenetic location: 3p21.1.
Variant type: single nucleotide variant.
Coding change: c.5531A>G on transcript NM_015512.5 (MANE Select); coding-DNA position 5531, A replaced by G.
Protein change: p.Lys1844Arg; replaces lysine 1844 with arginine.
Molecular consequence: missense variant.
Genome position (GRCh38, 1-based): chr3:52,366,469, A>G. VCF-style: chr3-52366469-A-G. GRCh37 (hg19) VCF-style: chr3-52400485-A-G.
Other names: short protein forms K1844R.
Identifiers: ClinVar variation 544624 (VCV000544624.6), dbSNP rs371251530, ClinGen allele CA2434239.

ClinVar aggregate classification (germline): Uncertain significance. Review status: criteria provided, multiple submitters, no conflicts (2 of 4 stars). 2 submissions from 2 submitters: Uncertain significance (2). Last evaluated 2024-10-09.

Conditions:
Spermatogenic failure 18. Identifiers: MedGen C4539783, MONDO:0054615, OMIM 617576.
Ciliary dyskinesia, primary, 37 (CILD37). Also called: CILIARY DYSKINESIA, PRIMARY, 37, WITH OR WITHOUT SITUS INVERSUS. Identifiers: MedGen C4539798, MONDO:0033204, OMIM 617577.

Allele frequency attached by ClinVar (database versions not stated): gnomAD exomes 0.00004 and 0.00012; gnomAD 0.00005 and 0.00006; TOPMed 0.00005; ExAC 0.00007; ESP Exome Variant Server 0.00008.
gnomAD v4.1: 181 of 1,597,744 alleles (0.011%); highest among the groups gnomAD compares: Middle Eastern, 0.016%; no homozygotes.

Submissions (2):

Ambry Genetics
Classification: Uncertain significance. Last evaluated: 2024-10-09. Review status: criteria provided, single submitter. Criteria: Ambry Variant Classification Scheme 2023. Collection method: clinical testing. Allele origin: germline.

Labcorp Genetics (formerly Invitae), Labcorp
Classification: Uncertain significance for Ciliary dyskinesia, primary, 37; Spermatogenic failure 18. Last evaluated: 2023-06-26. Review status: criteria provided, single submitter. Criteria: Invitae Variant Classification Sherloc (09022015). Collection method: clinical testing. Allele origin: germline.
Comment: This variant is present in population databases (rs371251530, gnomAD 0.007%). This sequence change replaces lysine, which is basic and polar, with arginine, which is basic and polar, at codon 1844 of the DNAH1 protein (p.Lys1844Arg). This variant has not been reported in the literature in individuals affected with DNAH1-related conditions. ClinVar contains an entry for this variant (Variation ID: 544624). In summary, the available evidence is currently insufficient to determine the role of this variant in disease. Therefore, it has been classified as a Variant of Uncertain Significance. Advanced modeling of protein sequence and biophysical properties (such as structural, functional, and spatial information, amino acid conservation, physicochemical variation, residue mobility, and thermodynamic stability) has been performed at Invitae for this missense variant, however the output from this modeling did not meet the statistical confidence thresholds required to predict the impact of this variant on DNAH1 protein function.